The following is an entry in ClinVar:

NM_001451.3(FOXF1):c.980-10C>T

Gene: FOXF1 (forkhead box F1; plus strand). Cytogenetic location: 16q24.1.
Variant type: single nucleotide variant.
Coding change: c.980-10C>T on transcript NM_001451.3 (MANE Select); 10 bases into the intron before coding-DNA position 980, C replaced by T.
Molecular consequence: intron variant.
Genome position (GRCh38, 1-based): chr16:86,512,915, C>T. VCF-style: chr16-86512915-C-T. GRCh37 (hg19) VCF-style: chr16-86546521-C-T.
Identifiers: ClinVar variation 3670272 (VCV003670272.4), dbSNP rs368414616.

ClinVar aggregate classification (germline): Likely benign. Review status: criteria provided, multiple submitters, no conflicts (2 of 4 stars). 3 submissions from 3 submitters: Likely benign (3). Last evaluated 2026-08-21.

Conditions:
FOXF1-related disorder. Also called: FOXF1-related condition.

Allele frequency attached by ClinVar (database versions not stated): ExAC 0.00018; gnomAD exomes 0.00019; gnomAD 0.00029; TOPMed 0.00030; ESP Exome Variant Server 0.00031; 1000 Genomes Project 0.00040.

Submissions (3):

PreventionGenetics, part of Exact Sciences
Classification: Likely benign for FOXF1-related condition. Last evaluated: 2026-08-21. Review status: criteria provided, single submitter. Criteria: ACMG Guidelines, 2015. Collection method: clinical testing. Allele origin: germline.
Comment: This variant is classified as likely benign based on ACMG/AMP sequence variant interpretation guidelines (Richards et al. 2015 PMID: 25741868, with internal and published modifications).

Blueprint Genetics
Classification: Likely benign. Last evaluated: 2024-10-01. Review status: criteria provided, single submitter. Criteria: ACMG Guidelines, 2015. Collection method: clinical testing. Allele origin: germline.

Labcorp Genetics (formerly Invitae), Labcorp
Classification: Likely benign. Last evaluated: 2024-07-01. Review status: criteria provided, single submitter. Criteria: Invitae Variant Classification Sherloc (09022015). Collection method: clinical testing. Allele origin: germline.